The following is an entry in ClinVar:

NM_138927.4(SON):c.6657+166C>T

Gene: SON (SON DNA and RNA binding protein; plus strand). Cytogenetic location: 21q22.11.
Variant type: single nucleotide variant.
Coding change: c.6657+166C>T on transcript NM_138927.4 (MANE Select); 166 bases into the intron after coding-DNA position 6657, C replaced by T.
Molecular consequence: intron variant. On other transcripts: missense variant (1).
Genome position (GRCh38, 1-based): chr21:33,559,941, C>T. VCF-style: chr21-33559941-C-T. GRCh37 (hg19) VCF-style: chr21-34932247-C-T.
Other names: c.741+166C>T (NM_001291412.3); c.6722C>T, p.Thr2241Ile (NM_032195.3); short protein forms T2241I.
Identifiers: ClinVar variation 1708788 (VCV001708788.2), dbSNP rs2517412547, ClinGen allele CA410119720.

ClinVar aggregate classification (germline): Uncertain significance (1 of 4 stars; one submission).

Allele frequency attached by ClinVar (database versions not stated): gnomAD exomes below 0.00001.
gnomAD v4.1: 1 of 1,613,806 alleles (0.000062%); highest among the groups gnomAD compares: Non-Finnish European, 0.000085%; no homozygotes.

Submission:

GeneDx
Classification: Uncertain significance. Last evaluated: 2022-04-07. Review status: criteria provided, single submitter. Criteria: GeneDx Variant Classification Process June 2021. Collection method: clinical testing. Allele origin: germline. Affected: yes.
Comment: Not observed at significant frequency in large population cohorts (gnomAD); In silico analysis supports that this missense variant does not alter protein structure/function; Has not been previously published as pathogenic or benign to our knowledge